The following is an entry in ClinVar:

NC_000010.10:g.(73454017_73455174)_73468962del

Gene: CDH23 (cadherin related 23; plus strand). Cytogenetic location: 10q22.1.
Variant type: Deletion.
Identifiers: ClinVar variation 1677071 (VCV001677071.1).

ClinVar aggregate classification (germline): Likely pathogenic (1 of 4 stars; one submission).

Conditions:
Usher syndrome. Also called: Usher Syndromes; Usher's syndrome. Identifiers: Orphanet 886, MedGen CN469326, MeSH D052245, MONDO:0019501. Disease mechanism: loss of function.

Submission:

Women's Health and Genetics/Laboratory Corporation of America, LabCorp
Classification: Likely pathogenic for Retinitis pigmentosa-deafness syndrome. Last evaluated: 2022-03-09. Review status: criteria provided, single submitter. Criteria: LabCorp Variant Classification Summary - May 2015. Collection method: clinical testing. Allele origin: germline.
Comment: Variant summary: The variant identified by MLPA or other technology involves the deletion of exons 22-partial 27 in the CDH23 gene. A presumed nomenclature of c.(2289+1_2290-1)_3214del has been designated for the purposes of this classification. Although exact breakpoints of this deletion are not known, it is expected to result in a frameshift in the CDH23 gene, a known mechanism of disease. The variant was absent in 21694 control chromosomes. To our knowledge, no occurrence of c.(2289+1_2290-1)_3214del in individuals affected with Usher Syndrome and no experimental evidence demonstrating its impact on protein function have been reported. No clinical diagnostic laboratories have submitted clinical-significance assessments for this variant to ClinVar after 2014. Based on the evidence outlined above, the variant was classified as likely pathogenic.